The following is an entry in ClinVar:

ClinVar aggregate classification (germline): Uncertain significance (1 of 4 stars; one submission).

Conditions:
MEGF10-related myopathy (CMYO10A). Also called: Congenital myopathy 10A, severe variant. Identifiers: Orphanet 439212, MedGen C3280679, MONDO:0013731, OMIM 614399.

Allele frequency attached by ClinVar (database versions not stated): gnomAD exomes 0.00001 and 0.00004; ExAC 0.00005; gnomAD 0.00014 and 0.00016; TOPMed 0.00015; 1000 Genomes Project 30x 0.00016; 1000 Genomes Project 0.00020; ESP Exome Variant Server 0.00031.
gnomAD v4.1: 35 of 1,614,102 alleles (0.0022%); highest among the groups gnomAD compares: African/African-American, 0.045%; no homozygotes.

Submission:

Labcorp Genetics (formerly Invitae), Labcorp
Classification: Uncertain significance for MEGF10-related myopathy. Last evaluated: 2021-10-12. Review status: criteria provided, single submitter. Criteria: Invitae Variant Classification Sherloc (09022015). Collection method: clinical testing. Allele origin: germline.
Comment: This sequence change replaces glutamine with histidine at codon 1096 of the MEGF10 protein (p.Gln1096His). The glutamine residue is highly conserved and there is a small physicochemical difference between glutamine and histidine. This variant is present in population databases (rs142969706, ExAC 0.06%). This variant has not been reported in the literature in individuals affected with MEGF10-related conditions. Algorithms developed to predict the effect of missense changes on protein structure and function are either unavailable or do not agree on the potential impact of this missense change (SIFT: "Deleterious"; PolyPhen-2: "Possibly Damaging"; Align-GVGD: "Class C0"). In summary, the available evidence is currently insufficient to determine the role of this variant in disease. Therefore, it has been classified as a Variant of Uncertain Significance.

NM_001256545.2(MEGF10):c.3288G>C (p.Gln1096His)

Gene: MEGF10 (multiple EGF like domains 10; plus strand). Cytogenetic location: 5q23.2.
Variant type: single nucleotide variant.
Coding change: c.3288G>C on transcript NM_001256545.2 (MANE Select); coding-DNA position 3288, G replaced by C.
Protein change: p.Gln1096His; replaces glutamine 1096 with histidine.
Molecular consequence: missense variant.
Genome position (GRCh38, 1-based): chr5:127,457,183, G>C. VCF-style: chr5-127457183-G-C. GRCh37 (hg19) VCF-style: chr5-126792875-G-C.
Other names: c.3288G>C, p.Gln1096His (NM_032446.3); short protein forms Q1096H.
Identifiers: ClinVar variation 1004087 (VCV001004087.4), dbSNP rs142969706, ClinGen allele CA3392191.